The following is an entry in ClinVar:

ClinVar aggregate classification (germline): Pathogenic (1 of 4 stars; one submission).

Submission:

ISCA site 15
Classification: Pathogenic. Last evaluated: 2011-08-12. Review status: criteria provided, single submitter. Criteria: Kaminsky et al. (Genet Med. 2011). Collection method: clinical testing. Allele origin: de novo. Affected: yes. Observed: 1 variant allele.
Comment: Copy number variation identified through the course of routine clinical cytogenomic testing in postnatal populations. Clinical assertions have been curated as described in Kaminsky et al. 2011.

GRCh38/hg38 10q26.3(chr10:129763050-131379342)x1

Genes: C10orf143 (chromosome 10 open reading frame 143; minus strand), EBF3 (EBF transcription factor 3; minus strand), EBF3-AS1 (EBF3 antisense RNA 1; plus strand), GLRX3 (glutaredoxin 3; plus strand), MGMT (O-6-methylguanine-DNA methyltransferase; plus strand) and 26 more. Cytogenetic location: 10q26.3.
Variant type: copy number loss.
Change: copy number 1 (one copy instead of two) of chr10:129,763,050-131,379,342 (1.62 Mb, GRCh38 coordinates, 1-based), cytogenetic band 10q26.3.
Identifiers: ClinVar variation 58827 (VCV000058827.1).